The following is an entry in ClinVar:

ClinVar aggregate classification (germline): Uncertain significance. Review status: criteria provided, single submitter (1 of 4 stars). 2 submissions from 2 submitters: Uncertain significance (1). 1 of the submissions does not count toward it. Last evaluated 2025-11-18.

Conditions:
Meniere disease. Also called: Ménière's disease. Identifiers: MedGen C0025281, MONDO:0007972, OMIM 156000.

Allele frequency attached by ClinVar (database versions not stated): TOPMed 0.00002; ExAC 0.00003; gnomAD exomes 0.00003; gnomAD 0.00004.

Submissions (2):

Labcorp Genetics (formerly Invitae), Labcorp
Classification: Uncertain significance. Last evaluated: 2025-11-18. Review status: criteria provided, single submitter. Criteria: Invitae Variant Classification Sherloc (09022015). Collection method: clinical testing. Allele origin: germline.
Comment: This sequence change creates a premature translational stop signal (p.Arg245*) in the FSCN2 gene. It is expected to result in an absent or disrupted protein product. However, the current clinical and genetic evidence is not sufficient to establish whether loss-of-function variants in FSCN2 cause disease. The frequency data for this variant in the population databases is considered unreliable, as metrics indicate poor data quality at this position in the gnomAD database. This variant has not been reported in the literature in individuals affected with FSCN2-related conditions. ClinVar contains an entry for this variant (Variation ID: 934384). In summary, the available evidence is currently insufficient to determine the role of this variant in disease. Therefore, it has been classified as a Variant of Uncertain Significance.

Center for Computational Biology & Bioinformatics, University of California, San Diego
Classification: Uncertain significance for Meniere disease. Last evaluated: 2024-06-03. Review status: no assertion criteria provided. Collection method: research. Allele origin: germline. Affected: yes. Not counted in ClinVar's aggregate classification.

NM_012418.4(FSCN2):c.733C>T (p.Arg245Ter)

Gene: FSCN2 (fascin actin-bundling protein 2, retinal; plus strand). Cytogenetic location: 17q25.3.
Variant type: single nucleotide variant.
Coding change: c.733C>T on transcript NM_012418.4 (MANE Select); coding-DNA position 733, C replaced by T.
Protein change: p.Arg245Ter; replaces arginine 245 with a stop codon.
Molecular consequence: nonsense.
Genome position (GRCh38, 1-based): chr17:81,529,264, C>T. VCF-style: chr17-81529264-C-T. GRCh37 (hg19) VCF-style: chr17-79496290-C-T.
Other names: c.733C>T, p.Arg245Ter (NM_001077182.3); short protein forms R245*.
Identifiers: ClinVar variation 934384 (VCV000934384.7), dbSNP rs781864584, ClinGen allele CA8836766.